The following is an entry in ClinVar:

NM_015466.4(PTPN23):c.345del (p.Cys116fs)

Gene: PTPN23 (protein tyrosine phosphatase non-receptor type 23; plus strand). Cytogenetic location: 3p21.31.
Variant type: Deletion.
Coding change: c.345del on transcript NM_015466.4 (MANE Select); coding-DNA position 345, one base deleted (C; older notation c.345delC).
Protein change: p.Cys116fs; shifts the reading frame from cysteine 116.
Molecular consequence: frameshift variant. On other transcripts: 5 prime UTR variant (1).
Genome position (GRCh38, 1-based): chr3:47,405,062, C deleted; the last of 2 consecutive C bases (chr3:47,405,061-47,405,062); deleting either gives the same sequence. VCF-style (leftmost placement, unchanged base first): chr3-47405060-GC-G. GRCh37 (hg19) VCF-style: chr3-47446550-GC-G.
Other names: c.-34del (NM_001304482.2); short protein forms C116fs.
Identifiers: ClinVar variation 1320048 (VCV001320048.1), dbSNP rs2107713521, ClinGen allele CA2573052187.

ClinVar aggregate classification (germline): Likely pathogenic (1 of 4 stars; one submission).

Conditions:
Neurodevelopmental disorder and structural brain anomalies with or without seizures and spasticity. Identifiers: MedGen C5394423, MONDO:0030046, OMIM 618890.

Submission:

3billion
Classification: Likely pathogenic for Neurodevelopmental disorder and structural brain anomalies with or without seizures and spasticity. Last evaluated: 2021-10-02. Review status: criteria provided, single submitter. Criteria: ACMG Guidelines, 2015. Collection method: clinical testing. Allele origin: unknown. Affected: yes. Observed: 1 heterozygote.
Comment: Frameshift: predicted to result in a loss or disruption of normal protein function through nonsense-mediated decay (NMD) or protein truncation. Multiple pathogenic variants are reported downstream of the variant (PVS1_VS). It is not observed in the gnomAD v2.1.1 dataset (PM2). Therefore, this variant is classified as likely pathogenic according to the recommendation of ACMG/AMP guideline.